The following is an entry in ClinVar:

NM_001283009.2(RTEL1):c.2477C>G (p.Pro826Arg)

Genes: RTEL1 (regulator of telomere elongation helicase 1; plus strand), RTEL1-TNFRSF6B (RTEL1-TNFRSF6B readthrough (NMD candidate); plus strand). Cytogenetic location: 20q13.33.
Variant type: single nucleotide variant.
Coding change: c.2477C>G on transcript NM_001283009.2 (MANE Select); coding-DNA position 2477, C replaced by G.
Protein change: p.Pro826Arg; replaces proline 826 with arginine.
Molecular consequence: missense variant. On other transcripts: non-coding transcript variant (1).
Genome position (GRCh38, 1-based): chr20:63,690,868, C>G. VCF-style: chr20-63690868-C-G. GRCh37 (hg19) VCF-style: chr20-62322221-C-G.
Other names: c.1808C>G, p.Pro603Arg (NM_001283010.1); c.2477C>G, p.Pro826Arg (NM_016434.4); c.2549C>G, p.Pro850Arg (NM_032957.5); short protein forms P850R, P603R, P826R.
Identifiers: ClinVar variation 4157568 (VCV004157568.1).

ClinVar aggregate classification (germline): Uncertain significance (1 of 4 stars; one submission).

Conditions:
Inborn genetic diseases. Identifiers: MedGen C0950123, MeSH D030342.

Submission:

Ambry Genetics
Classification: Uncertain significance for Inborn genetic diseases. Last evaluated: 2025-06-24. Review status: criteria provided, single submitter. Criteria: Ambry Variant Classification Scheme 2023. Collection method: clinical testing. Allele origin: germline.
Comment: The p.P826R variant (also known as c.2477C>G), located in coding exon 26 of the RTEL1 gene, results from a C to G substitution at nucleotide position 2477. The proline at codon 826 is replaced by arginine, an amino acid with dissimilar properties. This amino acid position is conserved. In addition, this alteration is predicted to be tolerated by in silico analysis. Based on the available evidence, the clinical significance of this variant remains unclear.